The following is an entry in ClinVar:

NM_001083962.2(TCF4):c.783A>C (p.Glu261Asp)

Gene: TCF4 (transcription factor 4; minus strand). Cytogenetic location: 18q21.2.
Variant type: single nucleotide variant.
Coding change: c.783A>C on transcript NM_001083962.2 (MANE Select); coding-DNA position 783, A replaced by C.
Protein change: p.Glu261Asp; replaces glutamic acid 261 with aspartic acid.
Molecular consequence: missense variant.
Genome position (GRCh38, 1-based): chr18:55,275,625, T>G on the plus strand (A>C on the coding strand, the complement: TCF4 is on the minus strand). VCF-style: chr18-55275625-T-G. GRCh37 (hg19) VCF-style: chr18-52942856-T-G.
Other names: c.708A>C, p.Glu236Asp (NM_001369578.1, NM_001369581.1, NM_001369584.1 and 3 more transcripts); c.711A>C, p.Glu237Asp (NM_001369579.1, NM_001369580.1, NM_001369582.1 and 9 more transcripts); c.783A>C, p.Glu261Asp (NM_003199.3, NM_001369567.1, NM_001369568.1 and 4 more transcripts); c.1089A>C, p.Glu363Asp (NM_001243226.3); c.801A>C, p.Glu267Asp (NM_001243228.2); c.777A>C, p.Glu259Asp (NM_001243230.2); c.657A>C, p.Glu219Asp (NM_001243231.2, NM_001348211.2); c.570A>C, p.Glu190Asp (NM_001243232.1, NM_001306208.1); and 4 more; short protein forms E260D, E261D, E237D, E363D, E131D, E45D, E101D, E190D.
Identifiers: ClinVar variation 4766303 (VCV004766303.1).

ClinVar aggregate classification (germline): Uncertain significance (1 of 4 stars; one submission).

Conditions:
Pitt-Hopkins syndrome (PTHS). Also called: ENCEPHALOPATHY, SEVERE EPILEPTIC, WITH AUTONOMIC DYSFUNCTION; MENTAL RETARDATION, SYNDROMAL, WITH INTERMITTENT HYPERVENTILATION. Identifiers: Orphanet 2896, MedGen C1970431, MONDO:0012589, OMIM 610954.

Submission:

Labcorp Genetics (formerly Invitae), Labcorp
Classification: Uncertain significance for Pitt-Hopkins syndrome. Last evaluated: 2025-12-10. Review status: criteria provided, single submitter. Criteria: Invitae Variant Classification Sherloc (09022015). Collection method: clinical testing. Allele origin: germline.
Comment: This sequence change replaces glutamic acid, which is acidic and polar, with aspartic acid, which is acidic and polar, at codon 261 of the TCF4 protein (p.Glu261Asp). This variant is not present in population databases (gnomAD no frequency). This variant has not been reported in the literature in individuals affected with TCF4-related conditions. Invitae Evidence Modeling of protein sequence and biophysical properties (such as structural, functional, and spatial information, amino acid conservation, physicochemical variation, residue mobility, and thermodynamic stability) indicates that this missense variant is not expected to disrupt TCF4 protein function with a negative predictive value of 95%. In summary, the available evidence is currently insufficient to determine the role of this variant in disease. Therefore, it has been classified as a Variant of Uncertain Significance.